The following is an entry in ClinVar:

NM_144997.7(FLCN):c.233A>C (p.Lys78Thr)

Gene: FLCN (folliculin; minus strand). Cytogenetic location: 17p11.2.
Variant type: single nucleotide variant.
Coding change: c.233A>C on transcript NM_144997.7 (MANE Select); coding-DNA position 233, A replaced by C.
Protein change: p.Lys78Thr; replaces lysine 78 with threonine.
Molecular consequence: missense variant.
Genome position (GRCh38, 1-based): chr17:17,227,905, T>G on the plus strand (A>C on the coding strand, the complement: FLCN is on the minus strand). VCF-style: chr17-17227905-T-G. GRCh37 (hg19) VCF-style: chr17-17131219-T-G.
Other names: c.233A>C, p.Lys78Thr (NM_001353229.2, NM_001353230.2, NM_001353231.2 and 1 more transcripts); short protein forms K78T.
Identifiers: ClinVar variation 863104 (VCV000863104.7), dbSNP rs1209539424, ClinGen allele CA398535047.

ClinVar aggregate classification (germline): Uncertain significance (1 of 4 stars; one submission).

Conditions:
Birt-Hogg-Dube syndrome. Also called: Birt Hogg Dubé syndrome. Identifiers: Orphanet 122, MedGen C0346010, MONDO:0800444.

gnomAD v4.1: 1 of 1,614,092 alleles (0.000062%); highest among the groups gnomAD compares: South Asian, 0.0011%; no homozygotes.

Submission:

Labcorp Genetics (formerly Invitae), Labcorp
Classification: Uncertain significance for Birt-Hogg-Dube syndrome. Last evaluated: 2019-12-03. Review status: criteria provided, single submitter. Criteria: Invitae Variant Classification Sherloc (09022015). Collection method: clinical testing. Allele origin: germline.
Comment: This sequence change replaces lysine with threonine at codon 78 of the FLCN protein (p.Lys78Thr). The lysine residue is moderately conserved and there is a moderate physicochemical difference between lysine and threonine. This variant is not present in population databases (ExAC no frequency). This variant has not been reported in the literature in individuals with FLCN-related conditions. Algorithms developed to predict the effect of missense changes on protein structure and function (SIFT, PolyPhen-2, Align-GVGD) all suggest that this variant is likely to be tolerated, but these predictions have not been confirmed by published functional studies and their clinical significance is uncertain. In summary, the available evidence is currently insufficient to determine the role of this variant in disease. Therefore, it has been classified as a Variant of Uncertain Significance.